The following is an entry in ClinVar:

NM_001903.5(CTNNA1):c.2154G>A (p.Gln718=)

Gene: CTNNA1 (catenin alpha 1; plus strand). Cytogenetic location: 5q31.2.
Variant type: single nucleotide variant.
Coding change: c.2154G>A on transcript NM_001903.5 (MANE Select); coding-DNA position 2154, G replaced by A.
Protein change: p.Gln718=; no amino-acid change (glutamine 718 retained).
Molecular consequence: synonymous variant.
Genome position (GRCh38, 1-based): chr5:138,930,616, G>A. VCF-style: chr5-138930616-G-A. GRCh37 (hg19) VCF-style: chr5-138266305-G-A.
Other names: c.2154G>A, p.Gln718= (NM_001323982.2, NM_001323983.1, NM_001323984.2 and 2 more transcripts); c.2061G>A, p.Gln687= (NM_001323986.2); c.1044G>A, p.Gln348= (NM_001323987.1, NM_001323988.1, NM_001323989.1 and 17 more transcripts); c.705G>A, p.Gln235= (NM_001324006.1, NM_001324007.1, NM_001324008.1 and 2 more transcripts); c.951G>A, p.Gln317= (NM_001324011.1); c.801G>A, p.Gln267= (NM_001324012.1, NM_001324013.1); c.1845G>A, p.Gln615= (NM_001290309.3); c.1785G>A, p.Gln595= (NM_001290310.3); and 1 more.
Identifiers: ClinVar variation 700091 (VCV000700091.18), dbSNP rs369024633, ClinGen allele CA3432121.

ClinVar aggregate classification (germline): Benign/Likely benign. Review status: criteria provided, multiple submitters, no conflicts (2 of 4 stars). 5 submissions from 5 submitters: Benign (1); Likely benign (4). Last evaluated 2026-01-06.

Conditions:
Hereditary cancer-predisposing syndrome. Also called: Neoplastic Syndromes, Hereditary; Tumor predisposition; Hereditary Cancer Syndrome; Hereditary neoplastic syndrome. Identifiers: Orphanet 140162, MedGen C0027672, MeSH D009386, MONDO:0015356.
CTNNA1-related disorder. Also called: CTNNA1-related condition.
Hereditary diffuse gastric adenocarcinoma (HDGC). Also called: DIFFUSE GASTRIC AND LOBULAR BREAST CANCER SYNDROME. Identifiers: Orphanet 26106, MedGen C1708349, MONDO:0007648, OMIM 137215.

Allele frequency attached by ClinVar (database versions not stated): ESP Exome Variant Server 0.00008; TOPMed 0.00008; gnomAD 0.00009 and 0.00007; gnomAD exomes 0.00012 and 0.00006; ExAC 0.00013.
gnomAD v4.1: 99 of 1,613,676 alleles (0.0061%); highest among the groups gnomAD compares: Admixed American, 0.005%; no homozygotes.

Submissions (5):

Labcorp Genetics (formerly Invitae), Labcorp
Classification: Likely benign. Last evaluated: 2026-01-06. Review status: criteria provided, single submitter. Criteria: Invitae Variant Classification Sherloc (09022015). Collection method: clinical testing. Allele origin: germline.

PreventionGenetics, part of Exact Sciences
Classification: Likely benign for CTNNA1-related condition. Last evaluated: 2025-12-19. Review status: criteria provided, single submitter. Criteria: ACMG Guidelines, 2015. Collection method: clinical testing. Allele origin: germline.
Comment: This variant is classified as likely benign based on ACMG/AMP sequence variant interpretation guidelines (Richards et al. 2015 PMID: 25741868, with internal and published modifications).

Blueprint Genetics
Classification: Likely benign. Last evaluated: 2024-10-14. Review status: criteria provided, single submitter. Criteria: ACMG Guidelines, 2015. Collection method: clinical testing. Allele origin: germline.

Myriad Genetics, Inc.
Classification: Benign for Hereditary diffuse gastric adenocarcinoma. Last evaluated: 2024-10-14. Review status: criteria provided, single submitter. Criteria: Myriad Autosomal Dominant, Autosomal Recessive and X-Linked Classification Criteria (2023). Collection method: clinical testing. Allele origin: unknown.
Comment: This variant is considered benign. This variant is a silent/synonymous amino acid change and it is not expected to impact splicing.

Ambry Genetics
Classification: Likely benign for Hereditary cancer-predisposing syndrome. Last evaluated: 2019-01-07. Review status: criteria provided, single submitter. Criteria: Ambry Variant Classification Scheme 2023. Collection method: clinical testing. Allele origin: germline.